The following is an entry in ClinVar:

ClinVar aggregate classification (germline): Uncertain significance. Review status: criteria provided, multiple submitters, no conflicts (2 of 4 stars). 2 submissions from 2 submitters: Uncertain significance (2). Last evaluated 2022-02-18.

Conditions:
Brugada syndrome. Also called: Sudden unexpected nocturnal death syndrome; Sudden Unexplained Death Syndrome; Sudden Unexplained Nocturnal Death Syndrome (SUNDS); Sudden unexplained nocturnal death syndrome. Identifiers: Orphanet 130, MedGen C1142166, MONDO:0015263.
Cardiovascular phenotype. Identifiers: MedGen CN230736.

Allele frequency attached by ClinVar (database versions not stated): gnomAD 0.00001.
gnomAD v4.1: 14 of 1,614,100 alleles (0.00087%); highest among the groups gnomAD compares: South Asian, 0.0044%; no homozygotes.

Submissions (2):

Labcorp Genetics (formerly Invitae), Labcorp
Classification: Uncertain significance for Brugada syndrome. Last evaluated: 2022-02-18. Review status: criteria provided, single submitter. Criteria: Invitae Variant Classification Sherloc (09022015). Collection method: clinical testing. Allele origin: germline.
Comment: Algorithms developed to predict the effect of missense changes on protein structure and function are either unavailable or do not agree on the potential impact of this missense change (SIFT: "Deleterious"; PolyPhen-2: "Possibly Damaging"; Align-GVGD: "Class C0"). This variant has not been reported in the literature in individuals affected with SCN10A-related conditions. This variant is present in population databases (no rsID available, gnomAD 0.003%). This sequence change replaces alanine, which is neutral and non-polar, with threonine, which is neutral and polar, at codon 1235 of the SCN10A protein (p.Ala1235Thr). In summary, the available evidence is currently insufficient to determine the role of this variant in disease. Therefore, it has been classified as a Variant of Uncertain Significance.

Ambry Genetics
Classification: Uncertain significance for Cardiovascular phenotype. Last evaluated: 2019-09-13. Review status: criteria provided, single submitter. Criteria: Ambry Variant Classification Scheme 2023. Collection method: clinical testing. Allele origin: germline.
Comment: The p.A1235T variant (also known as c.3703G>A), located in coding exon 21 of the SCN10A gene, results from a G to A substitution at nucleotide position 3703. The alanine at codon 1235 is replaced by threonine, an amino acid with similar properties. This amino acid position is highly conserved in available vertebrate species. In addition, the in silico prediction for this alteration is inconclusive. Since supporting evidence is limited at this time, the clinical significance of this alteration remains unclear.

NM_006514.4(SCN10A):c.3703G>A (p.Ala1235Thr)

Gene: SCN10A (sodium voltage-gated channel alpha subunit 10; minus strand). Cytogenetic location: 3p22.2.
Variant type: single nucleotide variant.
Coding change: c.3703G>A on transcript NM_006514.4 (MANE Select); coding-DNA position 3703, G replaced by A.
Protein change: p.Ala1235Thr; replaces alanine 1235 with threonine.
Molecular consequence: missense variant.
Genome position (GRCh38, 1-based): chr3:38,714,059, C>T on the plus strand (G>A on the coding strand, the complement: SCN10A is on the minus strand). VCF-style: chr3-38714059-C-T. GRCh37 (hg19) VCF-style: chr3-38755550-C-T.
Other names: c.3700G>A, p.Ala1234Thr (NM_001293306.2); c.3409G>A, p.Ala1137Thr (NM_001293307.2); short protein forms A1234T, A1137T, A1235T.
Identifiers: ClinVar variation 1734121 (VCV001734121.7), dbSNP rs950779366, ClinGen allele CA72951155.